The following is an entry in ClinVar:

ClinVar aggregate classification (germline): Uncertain significance. Review status: criteria provided, multiple submitters, no conflicts (2 of 4 stars). 2 submissions from 2 submitters: Uncertain significance (2). Last evaluated 2023-12-26.

Conditions:
Endometrial carcinoma. Also called: Endometrial carcinoma, somatic. Identifiers: MedGen C0476089, MONDO:0002447, OMIM 608089, HP:0012114.

Allele frequency attached by ClinVar (database versions not stated): gnomAD exomes 0.00001.
gnomAD v4.1: 4 of 1,606,844 alleles (0.00025%); highest among the groups gnomAD compares: Non-Finnish European, 0.00034%; no homozygotes.

Submissions (2):

Baylor Genetics
Classification: Uncertain significance for Endometrial carcinoma. Last evaluated: 2023-12-26. Review status: criteria provided, single submitter. Criteria: ACMG Guidelines, 2015. Collection method: clinical testing. Allele origin: unknown.

Labcorp Genetics (formerly Invitae), Labcorp
Classification: Uncertain significance. Last evaluated: 2022-01-28. Review status: criteria provided, single submitter. Criteria: Invitae Variant Classification Sherloc (09022015). Collection method: clinical testing. Allele origin: germline.
Comment: This sequence change replaces threonine, which is neutral and polar, with alanine, which is neutral and non-polar, at codon 882 of the MSH3 protein (p.Thr882Ala). This variant is not present in population databases (gnomAD no frequency). This variant has not been reported in the literature in individuals affected with MSH3-related conditions. ClinVar contains an entry for this variant (Variation ID: 1002592). Algorithms developed to predict the effect of missense changes on protein structure and function (SIFT, PolyPhen-2, Align-GVGD) all suggest that this variant is likely to be tolerated. In summary, the available evidence is currently insufficient to determine the role of this variant in disease. Therefore, it has been classified as a Variant of Uncertain Significance.

NM_002439.5(MSH3):c.2644A>G (p.Thr882Ala)

Gene: MSH3 (mutS homolog 3; plus strand). Cytogenetic location: 5q14.1.
Variant type: single nucleotide variant.
Coding change: c.2644A>G on transcript NM_002439.5 (MANE Select); coding-DNA position 2644, A replaced by G.
Protein change: p.Thr882Ala; replaces threonine 882 with alanine.
Molecular consequence: missense variant.
Genome position (GRCh38, 1-based): chr5:80,792,833, A>G. VCF-style: chr5-80792833-A-G. GRCh37 (hg19) VCF-style: chr5-80088652-A-G.
Other names: short protein forms T882A.
Identifiers: ClinVar variation 1002592 (VCV001002592.9), dbSNP rs1744631960, ClinGen allele CA360273049.